The following is an entry in ClinVar:

ClinVar aggregate classification (germline): Pathogenic (1 of 4 stars; one submission).

Conditions:
Osteogenesis imperfecta type I (OI1). Also called: OI, TYPE I; OSTEOGENESIS IMPERFECTA TARDA; OSTEOGENESIS IMPERFECTA WITH BLUE SCLERAE; Osteogenesis imperfecta type 1; Classic Non-deforming Osteogenesis Imperfecta with Blue Sclerae; Lobstein's Disease. Identifiers: Orphanet 216796, Orphanet 666, MedGen C0023931, MONDO:0008146, OMIM 166200. Disease mechanism: loss of function.

Submission:

Labcorp Genetics (formerly Invitae), Labcorp
Classification: Pathogenic for Osteogenesis imperfecta type I. Last evaluated: 2025-08-11. Review status: criteria provided, single submitter. Criteria: Invitae Variant Classification Sherloc (09022015). Collection method: clinical testing. Allele origin: germline.
Comment: This sequence change creates a premature translational stop signal (p.Pro1126Trpfs*2) in the COL1A1 gene. It is expected to result in an absent or disrupted protein product. Loss-of-function variants in COL1A1 are known to be pathogenic (PMID: 7942841, 9295084, 9443882). This variant is not present in population databases (gnomAD no frequency). This variant has not been reported in the literature in individuals affected with COL1A1-related conditions. For these reasons, this variant has been classified as Pathogenic.

Literature cited by the submitters: PubMed 7942841; PubMed 9295084; PubMed 9443882.

NM_000088.4(COL1A1):c.3375_3376del (p.Pro1126fs)

Gene: COL1A1 (collagen type I alpha 1 chain; minus strand). Cytogenetic location: 17q21.33.
Variant type: Microsatellite.
Coding change: c.3375_3376del on transcript NM_000088.4 (MANE Select); coding-DNA positions 3375 to 3376, 2 bases deleted (TC; older notation c.3375_3376delTC).
Protein change: p.Pro1126fs; shifts the reading frame from proline 1126.
Molecular consequence: frameshift variant.
Genome position (GRCh38, 1-based): chr17:50,187,531-50,187,532, GA deleted on the plus strand (TC on the coding strand, the reverse complement: COL1A1 is on the minus strand); deleting any 2 consecutive bases within chr17:50,187,531-50,187,535 gives the same sequence; the c. name uses the placement nearest the transcript's 3' end. VCF-style (leftmost placement, unchanged base first): chr17-50187530-GGA-G. GRCh37 (hg19) VCF-style: chr17-48264891-GGA-G.
Other names: short protein forms P1126fs.
Identifiers: ClinVar variation 4713011 (VCV004713011.1).